The following is an entry in ClinVar:

ClinVar aggregate classification (germline): Pathogenic (1 of 4 stars; one submission).

Conditions:
Junctional epidermolysis bullosa. Identifiers: Orphanet 305, MedGen C0079301, MONDO:0017612.

Submission:

Myriad Genetics, Inc.
Classification: Pathogenic for Junctional epidermolysis bullosa. Last evaluated: 2025-04-13. Review status: criteria provided, single submitter. Criteria: Myriad Autosomal Dominant, Autosomal Recessive and X-Linked Classification Criteria (2023). Collection method: clinical testing. Allele origin: unknown.
Comment: NM_005562.2(LAMC2):c.2371_2372delTCinsA(S791Nfs*40) is expected to be pathogenic in the context of junctional epidermolysis bullosa, LAMC2-related. This variant is predicted to lead to an abnormal or absent protein product due to the creation of a premature termination codon in LAMC2, a gene where loss-of-function variants are known to be pathogenic. Please note: this variant was assessed in the context of healthy population screening.

NM_005562.3(LAMC2):c.2371_2372delinsA (p.Ser791fs)

Gene: LAMC2 (laminin subunit gamma 2; plus strand). Cytogenetic location: 1q25.3.
Variant type: Indel.
Coding change: c.2371_2372delinsA on transcript NM_005562.3 (MANE Select); coding-DNA positions 2371 to 2372, TC replaced by A.
Protein change: p.Ser791fs; shifts the reading frame from serine 791.
Molecular consequence: frameshift variant.
Genome position (GRCh38, 1-based): chr1:183,235,645-183,235,646, TC replaced by A. VCF-style: chr1-183235645-TC-A. GRCh37 (hg19) VCF-style: chr1-183204780-TC-A.
Other names: c.2371_2372delinsA, p.Ser791fs (NM_018891.3); short protein forms S791fs.
Identifiers: ClinVar variation 5014325 (VCV005014325.1).